The following is an entry in ClinVar:

NM_005219.5(DIAPH1):c.2758T>C (p.Ser920Pro)

Gene: DIAPH1 (diaphanous related formin 1; minus strand). Cytogenetic location: 5q31.3.
Variant type: single nucleotide variant.
Coding change: c.2758T>C on transcript NM_005219.5 (MANE Select); coding-DNA position 2758, T replaced by C.
Protein change: p.Ser920Pro; replaces serine 920 with proline.
Molecular consequence: missense variant.
Genome position (GRCh38, 1-based): chr5:141,529,192, A>G on the plus strand (T>C on the coding strand, the complement: DIAPH1 is on the minus strand). VCF-style: chr5-141529192-A-G. GRCh37 (hg19) VCF-style: chr5-140908759-A-G.
Other names: p.Ser920Pro; c.2731T>C, p.Ser911Pro (NM_001079812.3); c.2758T>C, p.Ser920Pro (NM_001314007.2); short protein forms S911P, S920P.
Identifiers: ClinVar variation 653993 (VCV000653993.13), dbSNP rs746418816, ClinGen allele CA3478966.

ClinVar aggregate classification (germline): Uncertain significance. Review status: criteria provided, multiple submitters, no conflicts (2 of 4 stars). 4 submissions from 4 submitters: Uncertain significance (4). Last evaluated 2025-08-04.

Conditions:
Inborn genetic diseases. Identifiers: MedGen C0950123, MeSH D030342.
Autosomal dominant nonsyndromic hearing loss 1. Also called: KONIGSMARK SYNDROME; DEAFNESS, AUTOSOMAL DOMINANT 1, WITH OR WITHOUT THROMBOCYTOPENIA. Identifiers: Orphanet 90635, MedGen C1852282, MONDO:0007424, OMIM 124900.
Progressive microcephaly-seizures-cortical blindness-developmental delay syndrome. Also called: Seizures, cortical blindness, and microcephaly syndrome. Identifiers: Orphanet 477814, MedGen C5567650, MONDO:0014714, OMIM 616632.

Allele frequency attached by ClinVar (database versions not stated): gnomAD 0.00001; gnomAD exomes 0.00003 and 0.00002; TOPMed 0.00002; ExAC 0.00001.
gnomAD v4.1: 42 of 1,614,040 alleles (0.0026%); highest among the groups gnomAD compares: Non-Finnish European, 0.0032%; no homozygotes.

Submissions (4):

Labcorp Genetics (formerly Invitae), Labcorp
Classification: Uncertain significance for Progressive microcephaly-seizures-cortical blindness-developmental delay syndrome; Autosomal dominant nonsyndromic hearing loss 1. Last evaluated: 2025-08-04. Review status: criteria provided, single submitter. Criteria: Invitae Variant Classification Sherloc (09022015). Collection method: clinical testing. Allele origin: germline.
Comment: This sequence change replaces serine, which is neutral and polar, with proline, which is neutral and non-polar, at codon 920 of the DIAPH1 protein (p.Ser920Pro). This variant is present in population databases (rs746418816, gnomAD 0.004%). This variant has not been reported in the literature in individuals affected with DIAPH1-related conditions. ClinVar contains an entry for this variant (Variation ID: 653993). An algorithm developed to predict the effect of missense changes on protein structure and function (PolyPhen-2) suggests that this variant is likely to be tolerated. In summary, the available evidence is currently insufficient to determine the role of this variant in disease. Therefore, it has been classified as a Variant of Uncertain Significance.

GeneDx
Classification: Uncertain significance. Last evaluated: 2023-09-20. Review status: criteria provided, single submitter. Criteria: GeneDx Variant Classification Process June 2021. Collection method: clinical testing. Allele origin: germline.
Comment: In silico analysis supports that this missense variant does not alter protein structure/function; Has not been previously published as pathogenic or benign to our knowledge

Ambry Genetics
Classification: Uncertain significance for Inborn genetic diseases. Last evaluated: 2023-06-16. Review status: criteria provided, single submitter. Criteria: Ambry Variant Classification Scheme 2023. Collection method: clinical testing. Allele origin: germline.

Mayo Clinic Laboratories, Mayo Clinic
Classification: Uncertain significance. Last evaluated: 2023-05-16. Review status: criteria provided, single submitter. Criteria: ACMG Guidelines, 2015. Collection method: clinical testing. Allele origin: germline. Observed: 1 variant allele.
Comment: BP4, PM2